The following is an entry in ClinVar:

ClinVar aggregate classification (germline): Conflicting classifications of pathogenicity. Review status: criteria provided, conflicting classifications (1 of 4 stars). 3 submissions from 3 submitters: Uncertain significance (2); Likely benign (1). Last evaluated 2025-12-17.

Conditions:
Combined immunodeficiency due to DOCK8 deficiency (HIES2). Also called: HIES autosomal recessive; Hyper-IgE recurrent infection syndrome, autosomal recessive; DOCK8 Deficiency; HYPER-IgE RECURRENT INFECTION SYNDROME 2, AUTOSOMAL RECESSIVE; HYPER-IgE SYNDROME 2, AUTOSOMAL RECESSIVE, WITH RECURRENT INFECTIONS. Identifiers: Orphanet 217390, MedGen C4722305, MONDO:0009478, OMIM 243700.

Allele frequency attached by ClinVar (database versions not stated): TOPMed 0.00014.
gnomAD v4.1: 27 of 1,592,168 alleles (0.0017%); highest among the groups gnomAD compares: African/African-American, 0.018%; no homozygotes.

Submissions (3):

Labcorp Genetics (formerly Invitae), Labcorp
Classification: Likely benign for Combined immunodeficiency due to DOCK8 deficiency. Last evaluated: 2025-12-17. Review status: criteria provided, single submitter. Criteria: Invitae Variant Classification Sherloc (09022015). Collection method: clinical testing. Allele origin: germline.

Blueprint Genetics
Classification: Uncertain significance. Last evaluated: 2024-09-12. Review status: criteria provided, single submitter. Criteria: ACMG Guidelines, 2015. Collection method: clinical testing. Allele origin: germline.

Illumina Laboratory Services, Illumina
Classification: Uncertain significance for Combined immunodeficiency due to DOCK8 deficiency. Last evaluated: 2017-05-05. Review status: criteria provided, single submitter. Criteria: ICSL Variant Classification Criteria 13 December 2019. Collection method: clinical testing. Allele origin: germline.
Comment: This variant was observed as part of a predisposition screen in an ostensibly healthy population. A literature search was performed for the gene, cDNA change, and amino acid change (where applicable). Publications were found based on this search. However, the evidence from the literature, in combination with allele frequency data from public databases where available, was not sufficient to rule this variant in or out of causing disease. Therefore, this variant is classified as a variant of unknown significance.

Literature cited by the submitters: PubMed 20226292 (cited by Illumina Laboratory Services, Illumina); PubMed 27980540 (cited by Illumina Laboratory Services, Illumina).

NM_203447.4(DOCK8):c.36C>A (p.Phe12Leu)

Genes: DOCK8 (dedicator of cytokinesis 8; plus strand), DOCK8-AS1 (DOCK8 antisense RNA 1; minus strand), LOC130001437 (ATAC-STARR-seq lymphoblastoid silent region 19722; plus strand). Cytogenetic location: 9p24.3.
Variant type: single nucleotide variant.
Coding change: c.36C>A on transcript NM_203447.4 (MANE Select); coding-DNA position 36, C replaced by A.
Protein change: p.Phe12Leu; replaces phenylalanine 12 with leucine.
Molecular consequence: missense variant. On other transcripts: non-coding transcript variant (1).
Genome position (GRCh38, 1-based): chr9:215,012, C>A. VCF-style: chr9-215012-C-A. GRCh37 (hg19) VCF-style: chr9-215012-C-A.
Other names: short protein forms F12L.
Identifiers: ClinVar variation 366228 (VCV000366228.13), dbSNP rs566738926, ClinGen allele CA4956910.
Genomic context (GRCh38, chr9:215,012, plus strand): 5'-GAAGCCACCGAACCGCCGGCGGGCCATGGCCACTCTGCCGAGCGCAGAGCGCCGCGCGTT[C>A]GCGCTCAAGATCAACAGGTAAGACGCCCCCCGCGGCGCGCAGGTTGCGGCCGGACAGCCC-3'
Protein context (NP_982272.2, residues 2-22): ATLPSAERRA[Phe12Leu]ALKINRYSSA